The following is an entry in ClinVar:

NM_006014.5(LAGE3):c.179C>A (p.Pro60Gln)

Genes: LAGE3 (L antigen family member 3; minus strand), LOC130068876 (ATAC-STARR-seq lymphoblastoid silent region 21109; plus strand). Cytogenetic location: Xq28.
Variant type: single nucleotide variant.
Coding change: c.179C>A on transcript NM_006014.5 (MANE Select); coding-DNA position 179, C replaced by A.
Protein change: p.Pro60Gln; replaces proline 60 with glutamine.
Molecular consequence: missense variant.
Genome position (GRCh38, 1-based): chrX:154,478,737, G>T on the plus strand (C>A on the coding strand, the complement: LAGE3 is on the minus strand). VCF-style: chrX-154478737-G-T. GRCh37 (hg19) VCF-style: chrX-153707076-G-T.
Other names: short protein forms P60Q.
Identifiers: ClinVar variation 3691188 (VCV003691188.2).

ClinVar aggregate classification (germline): Uncertain significance (1 of 4 stars; one submission).

Submission:

Labcorp Genetics (formerly Invitae), Labcorp
Classification: Uncertain significance. Last evaluated: 2024-07-17. Review status: criteria provided, single submitter. Criteria: Invitae Variant Classification Sherloc (09022015). Collection method: clinical testing. Allele origin: germline.
Comment: This sequence change replaces proline, which is neutral and non-polar, with glutamine, which is neutral and polar, at codon 60 of the LAGE3 protein (p.Pro60Gln). This variant is not present in population databases (gnomAD no frequency). This variant has not been reported in the literature in individuals affected with LAGE3-related conditions. An algorithm developed to predict the effect of missense changes on protein structure and function (PolyPhen-2) suggests that this variant is likely to be tolerated. In summary, the available evidence is currently insufficient to determine the role of this variant in disease. Therefore, it has been classified as a Variant of Uncertain Significance.